The following is an entry in ClinVar:

NM_020166.5(MCCC1):c.1377+2T>C

Gene: MCCC1 (methylcrotonyl-CoA carboxylase subunit 1; minus strand). Cytogenetic location: 3q27.1.
Variant type: single nucleotide variant.
Coding change: c.1377+2T>C on transcript NM_020166.5 (MANE Select); the canonical splice donor site of the intron after coding-DNA position 1377, T replaced by C.
Molecular consequence: splice donor variant.
Genome position (GRCh38, 1-based): chr3:183,039,024, A>G on the plus strand (T>C on the coding strand, the complement: MCCC1 is on the minus strand). VCF-style: chr3-183039024-A-G. GRCh37 (hg19) VCF-style: chr3-182756812-A-G.
Other names: c.1050+2T>C (NM_001363880.1); c.1026+2T>C (NM_001293273.2).
Identifiers: ClinVar variation 3640872 (VCV003640872.2).

ClinVar aggregate classification (germline): Likely pathogenic (1 of 4 stars; one submission).

Conditions:
3-methylcrotonyl-CoA carboxylase 1 deficiency (MCC1D). Also called: MCCD TYPE 1; METHYLCROTONYLGLYCINURIA TYPE I; MCC 1 deficiency; 3 Alpha methylcrotonylglycinuria 1. Identifiers: Orphanet 6, MedGen CN028786, MONDO:0008861, OMIM 210200.

Submission:

Labcorp Genetics (formerly Invitae), Labcorp
Classification: Likely pathogenic for 3-methylcrotonyl-CoA carboxylase 1 deficiency. Last evaluated: 2024-02-14. Review status: criteria provided, single submitter. Criteria: Invitae Variant Classification Sherloc (09022015). Collection method: clinical testing. Allele origin: germline.
Comment: This sequence change affects a donor splice site in intron 12 of the MCCC1 gene. It is expected to disrupt RNA splicing. Variants that disrupt the donor or acceptor splice site typically lead to a loss of protein function (PMID: 16199547), and loss-of-function variants in MCCC1 are known to be pathogenic (PMID: 11181649, 15359379, 22642865). This variant is not present in population databases (gnomAD no frequency). This variant has not been reported in the literature in individuals affected with MCCC1-related conditions. Algorithms developed to predict the effect of sequence changes on RNA splicing suggest that this variant may disrupt the consensus splice site. In summary, the currently available evidence indicates that the variant is pathogenic, but additional data are needed to prove that conclusively. Therefore, this variant has been classified as Likely Pathogenic.

Literature cited by the submitters: PubMed 16199547; PubMed 11181649; PubMed 15359379; PubMed 22642865.